The following is an entry in ClinVar:

ClinVar aggregate classification (germline): Likely benign (1 of 4 stars; one submission).

Allele frequency attached by ClinVar (database versions not stated): ExAC 0.00009; gnomAD 0.00216; 1000 Genomes Project 30x 0.00328.

Submission:

CeGaT Center for Human Genetics Tuebingen
Classification: Likely benign. Last evaluated: 2023-01-01. Review status: criteria provided, single submitter. Criteria: CeGaT Center For Human Genetics Tuebingen Variant Classification Criteria Version 2. Collection method: clinical testing. Allele origin: germline. Affected: yes. Observed: 1 variant allele.
Comment: MUCL3: BP4, BP7

NM_080870.4(MUCL3):c.2076A>G (p.Lys692=)

Genes: HCG21 (HLA complex group 21; minus strand), MUCL3 (mucin like 3; plus strand). Cytogenetic location: 6p21.33.
Variant type: single nucleotide variant.
Coding change: c.2076A>G on transcript NM_080870.4 (MANE Select); coding-DNA position 2076, A replaced by G.
Protein change: p.Lys692=; no amino-acid change (lysine 692 retained).
Molecular consequence: synonymous variant.
Genome position (GRCh38, 1-based): chr6:30,950,540, A>G. VCF-style: chr6-30950540-A-G. GRCh37 (hg19) VCF-style: chr6-30918317-A-G.
Identifiers: ClinVar variation 2656346 (VCV002656346.24), dbSNP rs746584550, ClinGen allele CA3706712.